The following is an entry in ClinVar:

NM_144991.3(TSPEAR):c.1370A>C (p.Lys457Thr)

Gene: TSPEAR (thrombospondin type laminin G domain and EAR repeats; minus strand). Cytogenetic location: 21q22.3.
Variant type: single nucleotide variant.
Coding change: c.1370A>C on transcript NM_144991.3 (MANE Select); coding-DNA position 1370, A replaced by C.
Protein change: p.Lys457Thr; replaces lysine 457 with threonine.
Molecular consequence: missense variant.
Genome position (GRCh38, 1-based): chr21:44,522,079, T>G on the plus strand (A>C on the coding strand, the complement: TSPEAR is on the minus strand). VCF-style: chr21-44522079-T-G. GRCh37 (hg19) VCF-style: chr21-45941962-T-G.
Other names: c.1166A>C, p.Lys389Thr (NM_001272037.2); short protein forms K389T, K457T.
Identifiers: ClinVar variation 2812656 (VCV002812656.3), dbSNP rs2145961369, ClinGen allele CA410437585.
Genomic context (GRCh38, chr21:44,522,079, plus strand): 5'-TAGGCGCCGGAGGTGGCGATGGTCTGGTTGGCCTCGAAGAGCCGGGTTGCCGGGTTCCAC[T>G]TGTAGATGACACTGTCGATGTTGTGGTTGTCGCCTGGAACCAAGGGACTGTGCTGGGGGC-3'
Protein context (NP_659428.2, residues 447-467): DNHNIDSVIY[Lys457Thr]WNPATRLFEA

ClinVar aggregate classification (germline): Uncertain significance (1 of 4 stars; one submission).

Allele frequency attached by ClinVar (database versions not stated): gnomAD exomes below 0.00001.
gnomAD v4.1: 1 of 1,614,062 alleles (0.000062%); highest among the groups gnomAD compares: Non-Finnish European, 0.000085%; no homozygotes.

Submission:

Labcorp Genetics (formerly Invitae), Labcorp
Classification: Uncertain significance. Last evaluated: 2022-12-12. Review status: criteria provided, single submitter. Criteria: Invitae Variant Classification Sherloc (09022015). Collection method: clinical testing. Allele origin: germline.
Comment: This missense change has been observed in individual(s) with clinical features of ectodermal dysplasia (Invitae). In at least one individual the data is consistent with being in trans (on the opposite chromosome) from a pathogenic variant. Advanced modeling of protein sequence and biophysical properties (such as structural, functional, and spatial information, amino acid conservation, physicochemical variation, residue mobility, and thermodynamic stability) performed at Invitae indicates that this missense variant is not expected to disrupt TSPEAR protein function. In summary, the available evidence is currently insufficient to determine the role of this variant in disease. Therefore, it has been classified as a Variant of Uncertain Significance. This variant is not present in population databases (gnomAD no frequency). This sequence change replaces lysine, which is basic and polar, with threonine, which is neutral and polar, at codon 457 of the TSPEAR protein (p.Lys457Thr).